The following is an entry in ClinVar:

ClinVar aggregate classification (germline): Conflicting classifications of pathogenicity. Review status: criteria provided, conflicting classifications (1 of 4 stars). 2 submissions from 2 submitters: Uncertain significance (1); Likely benign (1). Last evaluated 2026-02-11.

Conditions:
Hereditary cancer-predisposing syndrome. Also called: Neoplastic Syndromes, Hereditary; Hereditary neoplastic syndrome; Tumor predisposition; Hereditary Cancer Syndrome. Identifiers: Orphanet 140162, MedGen C0027672, MeSH D009386, MONDO:0015356.
Familial cancer of breast. Also called: Hereditary breast cancer; BREAST CANCER, FAMILIAL; hereditary breast carcinoma. Identifiers: Orphanet 227535, MedGen C0346153, MONDO:0016419, OMIM 114480. Disease mechanism: loss of function.

Submissions (2):

Ambry Genetics
Classification: Likely benign for Hereditary cancer-predisposing syndrome. Last evaluated: 2026-02-11. Review status: criteria provided, single submitter. Criteria: Ambry Variant Classification Scheme 2023. Collection method: clinical testing. Allele origin: germline.

Labcorp Genetics (formerly Invitae), Labcorp
Classification: Uncertain significance for Familial cancer of breast. Last evaluated: 2025-11-17. Review status: criteria provided, single submitter. Criteria: Invitae Variant Classification Sherloc (09022015). Collection method: clinical testing. Allele origin: germline.
Comment: This sequence change replaces aspartic acid, which is acidic and polar, with alanine, which is neutral and non-polar, at codon 126 of the BARD1 protein (p.Asp126Ala). This variant is not present in population databases (gnomAD no frequency). This variant has not been reported in the literature in individuals affected with BARD1-related conditions. ClinVar contains an entry for this variant (Variation ID: 639113). An algorithm developed to predict the effect of missense changes on protein structure and function (PolyPhen-2) suggests that this variant is likely to be tolerated. In summary, the available evidence is currently insufficient to determine the role of this variant in disease. Therefore, it has been classified as a Variant of Uncertain Significance.

NM_000465.4(BARD1):c.377A>C (p.Asp126Ala)

Gene: BARD1 (BRCA1 associated RING domain 1; minus strand). Cytogenetic location: 2q35.
Variant type: single nucleotide variant.
Coding change: c.377A>C on transcript NM_000465.4 (MANE Select); coding-DNA position 377, A replaced by C.
Protein change: p.Asp126Ala; replaces aspartic acid 126 with alanine.
Molecular consequence: missense variant. On other transcripts: non-coding transcript variant (2), intron variant (3).
Genome position (GRCh38, 1-based): chr2:214,781,497, T>G on the plus strand (A>C on the coding strand, the complement: BARD1 is on the minus strand). VCF-style: chr2-214781497-T-G. GRCh37 (hg19) VCF-style: chr2-215646221-T-G.
Other names: c.320A>C, p.Asp107Ala (NM_001282543.2); c.158+27915A>C (NM_001282548.2); c.215+15564A>C (NM_001282545.2); c.364+10800A>C (NM_001282549.2); c.377A>C (NM_000465.2); short protein forms D107A, D126A.
Identifiers: ClinVar variation 639113 (VCV000639113.10), dbSNP rs1574821822, ClinGen allele CA350458331.
Genomic context (GRCh38, chr2:214,781,497, plus strand): 5'-CACATTTTAATTGAATTCTTCTTGTTTCCTGCATCATTAAACAAACTTTTCCTAGGTTTA[T>G]CTTCTTTCAAATCTGACAGAAAAAAAGAAAAAGAAATCTGTTACATGAAATTTATTGCTC-3'
Protein context (NP_000456.2, residues 116-136): HDNELSDLKE[Asp126Ala]KPRKSLFNDA